The following is an entry in ClinVar:

ClinVar aggregate classification (germline): Uncertain significance (1 of 4 stars; one submission).

Conditions:
Charcot-Marie-Tooth disease type 2. Also called: Charcot-Marie-Tooth type 2. Identifiers: Orphanet 64746, MedGen C0270914, MONDO:0018993.

Submission:

Labcorp Genetics (formerly Invitae), Labcorp
Classification: Uncertain significance for Charcot-Marie-Tooth disease type 2. Last evaluated: 2024-10-08. Review status: criteria provided, single submitter. Criteria: Invitae Variant Classification Sherloc (09022015). Collection method: clinical testing. Allele origin: germline.
Comment: This sequence change replaces glutamic acid, which is acidic and polar, with glutamine, which is neutral and polar, at codon 1534 of the KIF1B protein (p.Glu1534Gln). This variant is not present in population databases (gnomAD no frequency). This variant has not been reported in the literature in individuals affected with KIF1B-related conditions. An algorithm developed to predict the effect of missense changes on protein structure and function (PolyPhen-2) suggests that this variant is likely to be tolerated. In summary, the available evidence is currently insufficient to determine the role of this variant in disease. Therefore, it has been classified as a Variant of Uncertain Significance.

NM_001365951.3(KIF1B):c.4738G>C (p.Glu1580Gln)

Gene: KIF1B (kinesin family member 1B; plus strand). Cytogenetic location: 1p36.22.
Variant type: single nucleotide variant.
Coding change: c.4738G>C on transcript NM_001365951.3 (MANE Select); coding-DNA position 4738, G replaced by C.
Protein change: p.Glu1580Gln; replaces glutamic acid 1580 with glutamine.
Molecular consequence: missense variant.
Genome position (GRCh38, 1-based): chr1:10,365,634, G>C. VCF-style: chr1-10365634-G-C. GRCh37 (hg19) VCF-style: chr1-10425692-G-C.
Other names: c.4738G>C, p.Glu1580Gln (NM_001365952.1); c.4600G>C, p.Glu1534Gln (NM_015074.3); short protein forms E1534Q, E1580Q.
Identifiers: ClinVar variation 3632968 (VCV003632968.2).
Genomic context (GRCh38, chr1:10,365,634, plus strand): 5'-CCTAGCGAGAGCAGTGGCTATGATTCAGGAGACATCGAAAGCCTGGTGGACCGAGAGAAA[G>C]AGCTGGCTACCAAGGTGTGAATCCCTTCCTCTTTGCTGAACGTCTTCCCACAAGGCTCCA-3'
Protein context (NP_001352880.1, residues 1570-1590): DIESLVDREK[Glu1580Gln]LATKCLQLLT